The following is an entry in ClinVar:

ClinVar aggregate classification (germline): Uncertain significance (1 of 4 stars; one submission).

Submission:

Labcorp Genetics (formerly Invitae), Labcorp
Classification: Uncertain significance. Last evaluated: 2024-08-23. Review status: criteria provided, single submitter. Criteria: Invitae Variant Classification Sherloc (09022015). Collection method: clinical testing. Allele origin: germline.
Comment: This variant, c.5814_5815delinsTT, is a complex sequence change that results in the deletion of 2 and insertion of 2 amino acid(s) in the MYO18B protein (p.Lys1938_His1939delinsAsnTyr). Information on the frequency of this variant in the gnomAD database is not available, as this variant may be reported differently in the database. This variant has not been reported in the literature in individuals affected with MYO18B-related conditions. Experimental studies and prediction algorithms are not available or were not evaluated, and the functional significance of this variant is currently unknown. In summary, the available evidence is currently insufficient to determine the role of this variant in disease. Therefore, it has been classified as a Variant of Uncertain Significance.

NM_032608.7(MYO18B):c.5814_5815delinsTT (p.Lys1938_His1939delinsAsnTyr)

Gene: MYO18B (myosin XVIIIB; plus strand). Cytogenetic location: 22q12.1.
Variant type: Indel.
Coding change: c.5814_5815delinsTT on transcript NM_032608.7 (MANE Select); coding-DNA positions 5814 to 5815, GC replaced by TT.
Protein change: p.Lys1938_His1939delinsAsnTyr.
Molecular consequence: missense variant.
Genome position (GRCh38, 1-based): chr22:25,950,432-25,950,433, GC replaced by TT. VCF-style: chr22-25950432-GC-TT. GRCh37 (hg19) VCF-style: chr22-26346398-GC-TT.
Other names: c.5817_5818delinsTT, p.Lys1939_His1940delinsAsnTyr (NM_001318245.2).
Identifiers: ClinVar variation 3714547 (VCV003714547.1).
Genomic context (GRCh38, chr22:25,950,432, plus strand): 5'-TGCTGACATTGGGCAGATCCAAGAACTGCAGCTGCAGCTGGAGGAAGCCAAGAAGGAGAA[GC>TT]ACAAGCTACAAGAACAAGTATGTGCTCAGAGCCATCCTATAGTTGTATTAGTCAGGGTTT-3'